The following is an entry in ClinVar:

ClinVar aggregate classification (germline): Likely benign (0 of 4 stars; one submission).

Conditions:
KIF1B-related disorder. Also called: KIF1B-related condition.

Allele frequency attached by ClinVar (database versions not stated): gnomAD exomes 0.00003; ExAC 0.00004; gnomAD 0.00005; TOPMed 0.00010.
gnomAD v4.1: 57 of 1,614,102 alleles (0.0035%); highest among the groups gnomAD compares: Admixed American, 0.033%; no homozygotes.

Submission:

PreventionGenetics, part of Exact Sciences
Classification: Likely benign for KIF1B-related condition. Last evaluated: 2021-10-26. Review status: no assertion criteria provided. Collection method: clinical testing. Allele origin: germline.
Comment: This variant is classified as likely benign based on ACMG/AMP sequence variant interpretation guidelines (Richards et al. 2015 PMID: 25741868, with internal and published modifications).

NM_001365951.3(KIF1B):c.2115+6912A>G

Gene: KIF1B (kinesin family member 1B; plus strand). Cytogenetic location: 1p36.22.
Variant type: single nucleotide variant.
Coding change: c.2115+6912A>G on transcript NM_001365951.3 (MANE Select); 6912 bases into the intron after coding-DNA position 2115, A replaced by G.
Molecular consequence: intron variant. On other transcripts: synonymous variant (2).
Genome position (GRCh38, 1-based): chr1:10,304,158, A>G. VCF-style: chr1-10304158-A-G. GRCh37 (hg19) VCF-style: chr1-10364216-A-G.
Other names: c.2973A>G, p.Pro991= (NM_001365953.1, NM_183416.4); c.1977+6912A>G (NM_015074.3); c.2115+6912A>G (NM_001365952.1).
Identifiers: ClinVar variation 3029729 (VCV003029729.2), dbSNP rs778999878, ClinGen allele CA581337.